The following is an entry in ClinVar:

NM_001278064.2(GRM1):c.701-32G>A

Gene: GRM1 (glutamate metabotropic receptor 1; plus strand). Cytogenetic location: 6q24.3.
Variant type: single nucleotide variant.
Coding change: c.701-32G>A on transcript NM_001278064.2 (MANE Select); 32 bases into the intron before coding-DNA position 701, G replaced by A.
Molecular consequence: intron variant.
Genome position (GRCh38, 1-based): chr6:146,159,316, G>A. VCF-style: chr6-146159316-G-A. GRCh37 (hg19) VCF-style: chr6-146480452-G-A.
Other names: c.701-32G>A (NM_001278065.2, NM_001278066.1, NM_001278067.1).
Identifiers: ClinVar variation 1707307 (VCV001707307.2), dbSNP rs115698440, ClinGen allele CA4037107.

ClinVar aggregate classification (germline): Likely benign (1 of 4 stars; one submission).

Allele frequency attached by ClinVar (database versions not stated): gnomAD exomes 0.00050; ExAC 0.00171; gnomAD 0.00567; TOPMed 0.00621; ESP Exome Variant Server 0.00684; 1000 Genomes Project 0.00699; 1000 Genomes Project 30x 0.00718.
gnomAD v4.1: 1,613 of 1,613,766 alleles (0.1%); highest among the groups gnomAD compares: African/African-American, 2%; 9 homozygotes.

Submission:

GeneDx
Classification: Likely benign. Last evaluated: 2021-05-26. Review status: criteria provided, single submitter. Criteria: GeneDx Variant Classification Process June 2021. Collection method: clinical testing. Allele origin: germline. Affected: yes.
Comment: See Variant Classification Assertion Criteria.